The following is an entry in ClinVar:

ClinVar aggregate classification (germline): Uncertain significance. Review status: criteria provided, multiple submitters, no conflicts (2 of 4 stars). 2 submissions from 2 submitters: Uncertain significance (2). Last evaluated 2025-12-04.

Conditions:
SEMA3F-related disorder. Also called: SEMA3F-related condition.

gnomAD v4.1: 40 of 1,613,932 alleles (0.0025%); highest among the groups gnomAD compares: Admixed American, 0.005%; no homozygotes.

Submissions (2):

PreventionGenetics, part of Exact Sciences
Classification: Uncertain significance for SEMA3F-related condition. Last evaluated: 2025-12-04. Review status: criteria provided, single submitter. Criteria: ACMG Guidelines, 2015. Collection method: clinical testing. Allele origin: germline.
Comment: The SEMA3F c.936C>G variant is predicted to result in the amino acid substitution p.Asn312Lys. To our knowledge, this variant has not been reported in the literature. This variant is reported in 0.0029% of alleles in individuals of Latino descent in gnomAD. At this time, the clinical significance of this variant is uncertain due to the absence of conclusive functional and genetic evidence.

Ambry Genetics
Classification: Uncertain significance. Last evaluated: 2025-08-27. Review status: criteria provided, single submitter. Criteria: Ambry Variant Classification Scheme 2023. Collection method: clinical testing. Allele origin: germline.

NM_004186.5(SEMA3F):c.936C>G (p.Asn312Lys)

Gene: SEMA3F (semaphorin 3F; plus strand). Cytogenetic location: 3p21.31.
Variant type: single nucleotide variant.
Coding change: c.936C>G on transcript NM_004186.5 (MANE Select); coding-DNA position 936, C replaced by G.
Protein change: p.Asn312Lys; replaces asparagine 312 with lysine.
Molecular consequence: missense variant.
Genome position (GRCh38, 1-based): chr3:50,182,936, C>G. VCF-style: chr3-50182936-C-G. GRCh37 (hg19) VCF-style: chr3-50220369-C-G.
Other names: c.936C>G (NM_004186.4); c.639C>G, p.Asn213Lys (NM_001318798.2); c.843C>G, p.Asn281Lys (NM_001318800.2); short protein forms N312K, N281K, N213K.
Identifiers: ClinVar variation 4162123 (VCV004162123.2).